The following is an entry in ClinVar:

NM_000263.4(NAGLU):c.200T>C (p.Leu67Pro)

Genes: NAGLU (N-acetyl-alpha-glucosaminidase; plus strand), LOC130060903 (ATAC-STARR-seq lymphoblastoid silent region 8533; plus strand). Cytogenetic location: 17q21.2.
Variant type: single nucleotide variant.
Coding change: c.200T>C on transcript NM_000263.4 (MANE Select); coding-DNA position 200, T replaced by C.
Protein change: p.Leu67Pro; replaces leucine 67 with proline.
Molecular consequence: missense variant.
Genome position (GRCh38, 1-based): chr17:42,536,472, T>C. VCF-style: chr17-42536472-T-C. GRCh37 (hg19) VCF-style: chr17-40688490-T-C.
Other names: short protein forms L67P.
Identifiers: ClinVar variation 4526785 (VCV004526785.1).

ClinVar aggregate classification (germline): Pathogenic (1 of 4 stars; one submission).

gnomAD v4.1: 2 of 1,219,010 alleles (0.00016%); highest among the groups gnomAD compares: Non-Finnish European, 0.0001%; no homozygotes.

Submission:

Centre for Clinical Genetics and Genomic Diagnostics, Zealand University Hospital
Classification: Pathogenic. Last evaluated: 2025-03-18. Review status: criteria provided, single submitter. Criteria: ACMG Guidelines, 2015. Collection method: clinical testing. Allele origin: germline.
Comment: Compound heterozygous